The following is an entry in ClinVar:

NM_015272.5(RPGRIP1L):c.261T>C (p.Asn87=)

Gene: RPGRIP1L (RPGRIP1 like; minus strand). Cytogenetic location: 16q12.2.
Variant type: single nucleotide variant.
Coding change: c.261T>C on transcript NM_015272.5 (MANE Select); coding-DNA position 261, T replaced by C.
Protein change: p.Asn87=; no amino-acid change (asparagine 87 retained).
Molecular consequence: synonymous variant.
Genome position (GRCh38, 1-based): chr16:53,692,334, A>G on the plus strand (T>C on the coding strand, the complement: RPGRIP1L is on the minus strand). VCF-style: chr16-53692334-A-G. GRCh37 (hg19) VCF-style: chr16-53726246-A-G.
Other names: c.261T>C (NM_015272.4); c.261T>C, p.Asn87= (NM_001127897.4, NM_001308334.3, NM_001330538.2).
Identifiers: ClinVar variation 795101 (VCV000795101.9), dbSNP rs752587948, ClinGen allele CA495539295.

ClinVar aggregate classification (germline): Likely benign. Review status: criteria provided, multiple submitters, no conflicts (2 of 4 stars). 2 submissions from 2 submitters: Likely benign (2). Last evaluated 2025-12-09.

Conditions:
RPGRIP1L-related disorder. Also called: RPGRIP1L-related condition; RPGRIP1L-related disorders. Identifiers: MedGen CN239416.
Joubert syndrome. Also called: Familial aplasia of the vermis; JOUBERT-BOLTSHAUSER SYNDROME. Identifiers: Orphanet 475, MedGen C5979921, MONDO:0018772.
Meckel-Gruber syndrome. Also called: DYSENCEPHALIA SPLANCHNOCYSTICA; GRUBER SYNDROME; Dysencephalia splachnocystica. Identifiers: Orphanet 564, MedGen C0265215, MONDO:0018921.

Allele frequency attached by ClinVar (database versions not stated): gnomAD exomes below 0.00001.
gnomAD v4.1: 1 of 1,614,154 alleles (0.000062%); highest among the groups gnomAD compares: Non-Finnish European, 0.000085%; no homozygotes.

Submissions (2):

PreventionGenetics, part of Exact Sciences
Classification: Likely benign for RPGRIP1L-related condition. Last evaluated: 2025-12-09. Review status: criteria provided, single submitter. Criteria: ACMG Guidelines, 2015. Collection method: clinical testing. Allele origin: germline.
Comment: This variant is classified as likely benign based on ACMG/AMP sequence variant interpretation guidelines (Richards et al. 2015 PMID: 25741868, with internal and published modifications).

Labcorp Genetics (formerly Invitae), Labcorp
Classification: Likely benign for Joubert syndrome; Meckel-Gruber syndrome. Last evaluated: 2025-01-13. Review status: criteria provided, single submitter. Criteria: Invitae Variant Classification Sherloc (09022015). Collection method: clinical testing. Allele origin: germline.